The following is an entry in ClinVar:

ClinVar aggregate classification (germline): Uncertain significance (1 of 4 stars; one submission).

Allele frequency attached by ClinVar (database versions not stated): TOPMed below 0.00001.

Submission:

Labcorp Genetics (formerly Invitae), Labcorp
Classification: Uncertain significance. Last evaluated: 2022-09-06. Review status: criteria provided, single submitter. Criteria: Invitae Variant Classification Sherloc (09022015). Collection method: clinical testing. Allele origin: germline.
Comment: In summary, the available evidence is currently insufficient to determine the role of this variant in disease. Therefore, it has been classified as a Variant of Uncertain Significance. Algorithms developed to predict the effect of missense changes on protein structure and function are either unavailable or do not agree on the potential impact of this missense change (SIFT: "Deleterious"; PolyPhen-2: "Probably Damaging"; Align-GVGD: "Class C0"). This variant has not been reported in the literature in individuals affected with FBXO11-related conditions. This variant is not present in population databases (gnomAD no frequency). This sequence change replaces valine, which is neutral and non-polar, with alanine, which is neutral and non-polar, at codon 320 of the FBXO11 protein (p.Val320Ala).

NM_001190274.2(FBXO11):c.959T>C (p.Val320Ala)

Gene: FBXO11 (F-box protein 11; minus strand). Cytogenetic location: 2p16.3.
Variant type: single nucleotide variant.
Coding change: c.959T>C on transcript NM_001190274.2 (MANE Select); coding-DNA position 959, T replaced by C.
Protein change: p.Val320Ala; replaces valine 320 with alanine.
Molecular consequence: missense variant.
Genome position (GRCh38, 1-based): chr2:47,833,046, A>G on the plus strand (T>C on the coding strand, the complement: FBXO11 is on the minus strand). VCF-style: chr2-47833046-A-G. GRCh37 (hg19) VCF-style: chr2-48060185-A-G.
Other names: c.707T>C, p.Val236Ala (NM_001374325.1, NM_025133.4); short protein forms V320A, V236A.
Identifiers: ClinVar variation 1984226 (VCV001984226.4), dbSNP rs1672302436, ClinGen allele CA346766200.
Genomic context (GRCh38, chr2:47,833,046, plus strand): 5'-TAAGCATCTTCAGAGCCTTCCATAAAAACGAAGGTTGAATCTCTAGTGTTTTCAATTATA[A>G]CTTTGTCTGCCACTTTCCCAGGTGCTGTGGAGAAGATATTTTAAAGAATATTACCTTTAT-3'
Protein context (NP_001177203.1, residues 310-330): GAAPGKVADK[Val320Ala]IIENTRDSTF